The following is an entry in ClinVar:

ClinVar aggregate classification (germline): Likely pathogenic (1 of 4 stars; one submission).

Conditions:
Familial cancer of breast. Also called: hereditary breast carcinoma; Hereditary breast cancer; BREAST CANCER, FAMILIAL. Identifiers: Orphanet 227535, MedGen C0346153, MONDO:0016419, OMIM 114480. Disease mechanism: loss of function.

Submission:

Dr. med. U. Finckh, Human Genetics, Eurofins MVZ
Classification: Likely pathogenic for Familial cancer of breast. Review status: criteria provided, single submitter. Criteria: ACMG Guidelines, 2015. Collection method: clinical testing. Allele origin: unknown. Affected: yes.

NM_032043.3(BRIP1):c.58A>T (p.Lys20Ter)

Gene: BRIP1 (BRCA1 interacting DNA helicase 1; minus strand). Cytogenetic location: 17q23.2.
Variant type: single nucleotide variant.
Coding change: c.58A>T on transcript NM_032043.3 (MANE Select); coding-DNA position 58, A replaced by T.
Protein change: p.Lys20Ter; replaces lysine 20 with a stop codon.
Molecular consequence: nonsense.
Genome position (GRCh38, 1-based): chr17:61,861,482, T>A on the plus strand (A>T on the coding strand, the complement: BRIP1 is on the minus strand). VCF-style: chr17-61861482-T-A. GRCh37 (hg19) VCF-style: chr17-59938843-T-A.
Other names: short protein forms K20*.
Identifiers: ClinVar variation 2505548 (VCV002505548.1), dbSNP rs2545480384, ClinGen allele CA400485973.